The following is an entry in ClinVar:

NM_018127.7(ELAC2):c.613A>G (p.Ser205Gly)

Gene: ELAC2 (elaC ribonuclease Z 2; minus strand). Cytogenetic location: 17p12.
Variant type: single nucleotide variant.
Coding change: c.613A>G on transcript NM_018127.7 (MANE Select); coding-DNA position 613, A replaced by G.
Protein change: p.Ser205Gly; replaces serine 205 with glycine.
Molecular consequence: missense variant. On other transcripts: intron variant (1).
Genome position (GRCh38, 1-based): chr17:13,011,729, T>C on the plus strand (A>G on the coding strand, the complement: ELAC2 is on the minus strand). VCF-style: chr17-13011729-T-C. GRCh37 (hg19) VCF-style: chr17-12915046-T-C.
Other names: c.613A>G, p.Ser205Gly (NM_173717.2); c.560-1058A>G (NM_001165962.2); short protein forms S205G.
Identifiers: ClinVar variation 1475576 (VCV001475576.3), dbSNP rs2143661549, ClinGen allele CA398217501.

ClinVar aggregate classification (germline): Uncertain significance (1 of 4 stars; one submission).

Conditions:
Combined oxidative phosphorylation defect type 17. Also called: Combined oxidative phosphorylation deficiency 17. Identifiers: Orphanet 369913, MedGen C3809526, MONDO:0014190, OMIM 615440.

Submission:

Labcorp Genetics (formerly Invitae), Labcorp
Classification: Uncertain significance for Combined oxidative phosphorylation defect type 17. Last evaluated: 2022-07-19. Review status: criteria provided, single submitter. Criteria: Invitae Variant Classification Sherloc (09022015). Collection method: clinical testing. Allele origin: germline.
Comment: This sequence change replaces serine, which is neutral and polar, with glycine, which is neutral and non-polar, at codon 205 of the ELAC2 protein (p.Ser205Gly). This variant is not present in population databases (gnomAD no frequency). This variant has not been reported in the literature in individuals affected with ELAC2-related conditions. ClinVar contains an entry for this variant (Variation ID: 1475576). Algorithms developed to predict the effect of missense changes on protein structure and function (SIFT, PolyPhen-2, Align-GVGD) all suggest that this variant is likely to be tolerated. In summary, the available evidence is currently insufficient to determine the role of this variant in disease. Therefore, it has been classified as a Variant of Uncertain Significance.